The following is an entry in ClinVar:

ClinVar aggregate classification (germline): Benign/Likely benign. Review status: criteria provided, multiple submitters, no conflicts (2 of 4 stars). 10 submissions from 10 submitters: Benign (1); Likely benign (9). Last evaluated 2025-12-31.

Conditions:
Mismatch repair cancer syndrome 4. Identifiers: MedGen C5436817, MONDO:0030843, OMIM 619101.
Lynch syndrome 4 (LYNCH4). Also called: Colorectal cancer, hereditary nonpolyposis, type 4; Hereditary non-polyposis colorectal cancer, type 4. Identifiers: Orphanet 144, MedGen C1838333, MONDO:0013699, OMIM 614337. Disease mechanism: loss of function.
Hereditary nonpolyposis colorectal neoplasms. Identifiers: MedGen C0009405, MeSH D003123.
Hereditary cancer-predisposing syndrome. Also called: Neoplastic Syndromes, Hereditary; Hereditary Cancer Syndrome; Tumor predisposition; Hereditary neoplastic syndrome. Identifiers: Orphanet 140162, MedGen C0027672, MeSH D009386, MONDO:0015356.
Lynch syndrome. Identifiers: Orphanet 144, MedGen C4552100, MONDO:0005835. Disease mechanism: loss of function.

Allele frequency attached by ClinVar (database versions not stated): gnomAD exomes below 0.00001 and 0.00002; gnomAD 0.00001; TOPMed 0.00002; ExAC 0.00003.
gnomAD v4.1: 7 of 1,527,512 alleles (0.00046%); highest among the groups gnomAD compares: Admixed American, 0.005%; no homozygotes.

Submissions (10):

Labcorp Genetics (formerly Invitae), Labcorp
Classification: Likely benign for Hereditary nonpolyposis colorectal neoplasms. Last evaluated: 2025-12-31. Review status: criteria provided, single submitter. Criteria: Invitae Variant Classification Sherloc (09022015). Collection method: clinical testing. Allele origin: germline.

Quest Diagnostics Nichols Institute San Juan Capistrano
Classification: Likely benign. Last evaluated: 2025-05-19. Review status: criteria provided, single submitter. Criteria: Quest Diagnostics criteria. Collection method: clinical testing. Allele origin: unknown.

Myriad Genetics, Inc.
Classification: Benign for Lynch syndrome 4. Last evaluated: 2025-01-28. Review status: criteria provided, single submitter. Criteria: Myriad Autosomal Dominant, Autosomal Recessive and X-Linked Classification Criteria (2023). Collection method: clinical testing. Allele origin: unknown.
Comment: This variant is considered benign. This variant is a silent/synonymous amino acid change and it is not expected to impact splicing.

Department of Pathology and Laboratory Medicine, Sinai Health System
Classification: Likely benign for Lynch syndrome 4; Mismatch repair cancer syndrome 4. Last evaluated: 2024-10-02. Review status: criteria provided, single submitter. Criteria: ACMG Guidelines, 2015. Collection method: clinical testing. Allele origin: germline.

CeGaT Center for Human Genetics Tuebingen
Classification: Likely benign. Last evaluated: 2024-02-01. Review status: criteria provided, single submitter. Criteria: CeGaT Center For Human Genetics Tuebingen Variant Classification Criteria Version 2. Collection method: clinical testing. Allele origin: germline. Affected: yes. Observed: 2 variant alleles.
Comment: PMS2: BP4, BP7

All of Us Research Program, National Institutes of Health
Classification: Likely benign for Lynch syndrome. Last evaluated: 2023-10-02. Review status: criteria provided, single submitter. Criteria: ACMG Guidelines, 2015. Collection method: clinical testing. Allele origin: germline. Inheritance: Autosomal dominant inheritance. Observed: 4 variant alleles, 4 heterozygotes.
Comment: This study involves interpretation of variants in research participants for the purpose of population health screening. Participant phenotype was not available at the time of variant classification. Additional details can be found in publication PMID: 35346344, PMCID: PMC8962531

Women's Health and Genetics/Laboratory Corporation of America, LabCorp
Classification: Likely benign. Last evaluated: 2022-10-06. Review status: criteria provided, single submitter. Criteria: LabCorp Variant Classification Summary - May 2015. Collection method: clinical testing. Allele origin: germline.

Color Diagnostics, LLC DBA Color Health
Classification: Likely benign for Hereditary cancer-predisposing syndrome. Last evaluated: 2017-03-16. Review status: criteria provided, single submitter. Criteria: ACMG Guidelines, 2015. Collection method: clinical testing. Allele origin: germline.

GeneDx
Classification: Likely benign. Last evaluated: 2017-01-04. Review status: criteria provided, single submitter. Criteria: GeneDx Variant Classification (06012015). Collection method: clinical testing. Allele origin: germline. Affected: yes.
Comment: This variant is considered likely benign or benign based on one or more of the following criteria: it is a conservative change, it occurs at a poorly conserved position in the protein, it is predicted to be benign by multiple in silico algorithms, and/or has population frequency not consistent with disease.

Ambry Genetics
Classification: Likely benign for Hereditary cancer-predisposing syndrome. Last evaluated: 2015-02-10. Review status: criteria provided, single submitter. Criteria: Ambry Variant Classification Scheme 2023. Collection method: clinical testing. Allele origin: germline.

Literature cited by the submitters: PubMed 39334433 (cited by Quest Diagnostics Nichols Institute San Juan Capistrano).

NM_000535.7(PMS2):c.795T>C (p.Asn265=)

Gene: PMS2 (PMS1 homolog 2, mismatch repair system component; minus strand). Cytogenetic location: 7p22.1.
Variant type: single nucleotide variant.
Coding change: c.795T>C on transcript NM_000535.7 (MANE Select); coding-DNA position 795, T replaced by C.
Protein change: p.Asn265=; no amino-acid change (asparagine 265 retained).
Molecular consequence: synonymous variant. On other transcripts: 5 prime UTR variant (2), non-coding transcript variant (1).
Genome position (GRCh38, 1-based): chr7:5,997,334, A>G on the plus strand (T>C on the coding strand, the complement: PMS2 is on the minus strand). VCF-style: chr7-5997334-A-G. GRCh37 (hg19) VCF-style: chr7-6036965-A-G.
Other names: c.390T>C, p.Asn130= (NM_001322003.2, NM_001322004.2, NM_001322005.2 and 2 more transcripts); c.795T>C, p.Asn265= (NM_001322006.2, NM_001322014.2); c.477T>C, p.Asn159= (NM_001322007.2, NM_001322008.2); c.-139T>C (NM_001322011.2, NM_001322012.2); c.222T>C, p.Asn74= (NM_001322013.2); c.486T>C, p.Asn162= (NM_001322015.2).
Identifiers: ClinVar variation 230398 (VCV000230398.68), dbSNP rs766667186, ClinGen allele CA051668.
Genomic context (GRCh38, chr7:5,997,334, plus strand): 5'-GCTCTCAGGATAAAATGTTCAATTGTAGTTCTCTTGCCAGCAATCTACTTACTAAAAAAG[A>G]TTATGCAGAGCATCGGAACAGCTCAAACCGTACTCTTCACACACGGAGTCACTAGGGGGC-3'
Protein context (NP_000526.2, residues 255-275): YGLSCSDALH[Asn265=]LFYISGFISQ